The following is an entry in ClinVar:

ClinVar aggregate classification (germline): Pathogenic. Review status: criteria provided, multiple submitters, no conflicts (2 of 4 stars). 2 submissions from 2 submitters: Pathogenic (2). Last evaluated 2022-05-04.

Conditions:
Holoprosencephaly 2 (HPE2). Identifiers: Orphanet 2162, MedGen C1834877, MONDO:0007999, OMIM 157170.

Submissions (2):

Mendelics
Classification: Pathogenic for Holoprosencephaly 2. Last evaluated: 2022-05-04. Review status: criteria provided, single submitter. Criteria: Mendelics Assertion Criteria 2019. Collection method: clinical testing. Allele origin: germline.

GeneDx
Classification: Pathogenic. Last evaluated: 2017-02-02. Review status: criteria provided, single submitter. Criteria: GeneDx Variant Classification (06012015). Collection method: clinical testing. Allele origin: germline. Affected: yes.
Comment: The c.406_407delGC pathogenic variant in the SIX3 gene causes a frameshift starting with codon Alanine 136, changes this amino acid to a Arginine residue and creates a premature Stop codon at position 17 of the new reading frame, denoted p.Ala136ArgfsX17. This pathogenic variant is predicted to cause loss of normal protein function either through protein truncation or nonsense-mediated mRNA decay. The c.406_407delGC variant was not observed in approximately 6,200 individuals of European and African American ancestry in the NHLBI Exome Sequencing Project, indicating it is not a common benign variant in these populations.

NM_005413.4(SIX3):c.406_407del (p.Ala136fs)

Gene: SIX3 (SIX homeobox 3; plus strand). Cytogenetic location: 2p21.
Variant type: Microsatellite.
Coding change: c.406_407del on transcript NM_005413.4 (MANE Select); coding-DNA positions 406 to 407, 2 bases deleted (GC; older notation c.406_407delGC).
Protein change: p.Ala136fs; shifts the reading frame from alanine 136.
Molecular consequence: frameshift variant.
Genome position (GRCh38, 1-based): chr2:44,942,510-44,942,511, GC deleted; deleting any 2 consecutive bases within chr2:44,942,500-44,942,511 gives the same sequence; the c. name uses the placement nearest the transcript's 3' end. VCF-style (leftmost placement, unchanged base first): chr2-44942499-TGC-T. GRCh37 (hg19) VCF-style: chr2-45169638-TGC-T.
Other names: short protein forms A136fs.
Identifiers: ClinVar variation 449840 (VCV000449840.3), dbSNP rs753473749, ClinGen allele CA1642316.